The following is an entry in ClinVar:

NM_001127222.2(CACNA1A):c.80G>T (p.Ser27Ile)

Gene: CACNA1A (calcium voltage-gated channel subunit alpha1 A; minus strand). Cytogenetic location: 19p13.13.
Variant type: single nucleotide variant.
Coding change: c.80G>T on transcript NM_001127222.2 (MANE Select); coding-DNA position 80, G replaced by T.
Protein change: p.Ser27Ile; replaces serine 27 with isoleucine.
Molecular consequence: missense variant.
Genome position (GRCh38, 1-based): chr19:13,506,145, C>A on the plus strand (G>T on the coding strand, the complement: CACNA1A is on the minus strand). VCF-style: chr19-13506145-C-A. GRCh37 (hg19) VCF-style: chr19-13616959-C-A.
Other names: c.80G>T, p.Ser27Ile (NM_000068.4, NM_001127221.2, NM_001174080.2 and 1 more transcripts); short protein forms S27I.
Identifiers: ClinVar variation 2929501 (VCV002929501.3), dbSNP rs1349415232, ClinGen allele CA404971248.

ClinVar aggregate classification (germline): Uncertain significance (1 of 4 stars; one submission).

Conditions:
Developmental and epileptic encephalopathy, 42 (DEE42A). Also called: DEVELOPMENTAL AND EPILEPTIC ENCEPHALOPATHY 42A; EPILEPTIC ENCEPHALOPATHY, EARLY INFANTILE, 42A; Epileptic encephalopathy, early infantile, 42. Identifiers: MedGen C4310716, MONDO:0014917, OMIM 617106.
Episodic ataxia type 2 (EA2). Also called: ACETAZOLAMIDE-RESPONSIVE HEREDITARY PAROXYSMAL CEREBELLAR ATAXIA; ATAXIA, EPISODIC, WITH NYSTAGMUS; ATAXIA, FAMILIAL PAROXYSMAL; CEREBELLAR ATAXIA, PAROXYSMAL, ACETAZOLAMIDE-RESPONSIVE; CEREBELLOPATHY, HEREDITARY PAROXYSMAL; EPISODIC ATAXIA, NYSTAGMUS-ASSOCIATED. Identifiers: Orphanet 97, MedGen C1720416, MONDO:0007163, OMIM 108500.

Allele frequency attached by ClinVar (database versions not stated): gnomAD exomes below 0.00001; TOPMed 0.00001.
gnomAD v4.1: 2 of 1,579,898 alleles (0.00013%); highest among the groups gnomAD compares: Admixed American, 0.0018%; no homozygotes.

Submission:

Labcorp Genetics (formerly Invitae), Labcorp
Classification: Uncertain significance for Developmental and epileptic encephalopathy, 42; Episodic ataxia type 2. Last evaluated: 2024-02-21. Review status: criteria provided, single submitter. Criteria: Invitae Variant Classification Sherloc (09022015). Collection method: clinical testing. Allele origin: germline.
Comment: This sequence change replaces serine, which is neutral and polar, with isoleucine, which is neutral and non-polar, at codon 27 of the CACNA1A protein (p.Ser27Ile). The frequency data for this variant in the population databases is considered unreliable, as metrics indicate poor data quality at this position in the gnomAD database. This variant has not been reported in the literature in individuals affected with CACNA1A-related conditions. Advanced modeling of protein sequence and biophysical properties (such as structural, functional, and spatial information, amino acid conservation, physicochemical variation, residue mobility, and thermodynamic stability) performed at Invitae indicates that this missense variant is not expected to disrupt CACNA1A protein function with a negative predictive value of 95%. In summary, the available evidence is currently insufficient to determine the role of this variant in disease. Therefore, it has been classified as a Variant of Uncertain Significance.